The following is an entry in ClinVar:

NM_018896.5(CACNA1G):c.3655C>G (p.Leu1219Val)

Gene: CACNA1G (calcium voltage-gated channel subunit alpha1 G; plus strand). Cytogenetic location: 17q21.33.
Variant type: single nucleotide variant.
Coding change: c.3655C>G on transcript NM_018896.5 (MANE Select); coding-DNA position 3655, C replaced by G.
Protein change: p.Leu1219Val; replaces leucine 1219 with valine.
Molecular consequence: missense variant. On other transcripts: non-coding transcript variant (5).
Genome position (GRCh38, 1-based): chr17:50,599,824, C>G. VCF-style: chr17-50599824-C-G. GRCh37 (hg19) VCF-style: chr17-48677185-C-G.
Other names: c.3655C>G, p.Leu1219Val (NM_001256324.2, NM_001256325.2, NM_001256326.2 and 16 more transcripts); c.3586C>G, p.Leu1196Val (NM_001256332.2, NM_198376.3, NM_198379.3 and 5 more transcripts); short protein forms L1196V, L1219V.
Identifiers: ClinVar variation 2099510 (VCV002099510.6), dbSNP rs746127310, ClinGen allele CA8652774.

ClinVar aggregate classification (germline): Uncertain significance. Review status: criteria provided, multiple submitters, no conflicts (2 of 4 stars). 2 submissions from 2 submitters: Uncertain significance (2). Last evaluated 2026-04-27.

Allele frequency attached by ClinVar (database versions not stated): ExAC 0.00003; gnomAD exomes 0.00001.

Submissions (2):

Dasa
Classification: Uncertain significance. Last evaluated: 2026-04-27. Review status: criteria provided, single submitter. Criteria: DASA Assertion Criteria. Collection method: clinical testing. Allele origin: germline.
Comment: NM_018896.5(CACNA1G):c.3655C>G (p.Leu1219Val) is a missense variant that results in the substitution of leucine with valine. This variant is rare in population databases. The currently available literature and clinical evidence are not sufficient to establish a definitive association between this variant and the reported condition. Therefore, this variant is classified as a variant of uncertain significance.

Labcorp Genetics (formerly Invitae), Labcorp
Classification: Uncertain significance. Last evaluated: 2022-02-19. Review status: criteria provided, single submitter. Criteria: Invitae Variant Classification Sherloc (09022015). Collection method: clinical testing. Allele origin: germline.
Comment: In summary, the available evidence is currently insufficient to determine the role of this variant in disease. Therefore, it has been classified as a Variant of Uncertain Significance. Algorithms developed to predict the effect of missense changes on protein structure and function (SIFT, PolyPhen-2, Align-GVGD) all suggest that this variant is likely to be tolerated. This variant has not been reported in the literature in individuals affected with CACNA1G-related conditions. This variant is present in population databases (rs746127310, gnomAD 0.003%). This sequence change replaces leucine, which is neutral and non-polar, with valine, which is neutral and non-polar, at codon 1219 of the CACNA1G protein (p.Leu1219Val).